The following is an entry in ClinVar:

ClinVar aggregate classification (germline): Benign/Likely benign. Review status: criteria provided, multiple submitters, no conflicts (2 of 4 stars). 3 submissions from 3 submitters: Benign (2); Likely benign (1). Last evaluated 2025-07-01.

Allele frequency attached by ClinVar (database versions not stated): 1000 Genomes Project 0.00200; 1000 Genomes Project 30x 0.00219; ExAC 0.00408; gnomAD exomes 0.00416; gnomAD 0.00431 and 0.00449; TOPMed 0.00433; ESP Exome Variant Server 0.00523.
gnomAD v4.1: 9,001 of 1,614,196 alleles (0.56%); highest among the groups gnomAD compares: Non-Finnish European, 0.65%; 38 homozygotes.

Submissions (3):

CeGaT Center for Human Genetics Tuebingen
Classification: Likely benign. Last evaluated: 2025-07-01. Review status: criteria provided, single submitter. Criteria: CeGaT Center For Human Genetics Tuebingen Variant Classification Criteria Version 2. Collection method: clinical testing. Allele origin: germline. Affected: yes. Observed: 1 variant allele.
Comment: CXCR6: BP4, BP7, BS2

Labcorp Genetics (formerly Invitae), Labcorp
Classification: Benign. Last evaluated: 2019-12-31. Review status: criteria provided, single submitter. Criteria: Invitae Variant Classification Sherloc (09022015). Collection method: clinical testing. Allele origin: germline.

Breakthrough Genomics
Classification: Benign. Review status: criteria provided, single submitter. Criteria: ACMG Guidelines, 2015. Collection method: not provided. Allele origin: germline. Inheritance: Unknown mechanism. Affected: yes.

NM_006564.2(CXCR6):c.552C>T (p.Asp184=)

Genes: CXCR6 (C-X-C motif chemokine receptor 6; plus strand), FYCO1 (FYVE and coiled-coil domain autophagy adaptor 1; minus strand). Cytogenetic location: 3p21.31.
Variant type: single nucleotide variant.
Coding change: c.552C>T on transcript NM_006564.2 (MANE Select); coding-DNA position 552, C replaced by T.
Protein change: p.Asp184=; no amino-acid change (aspartic acid 184 retained).
Molecular consequence: synonymous variant. On other transcripts: intron variant (11).
Genome position (GRCh38, 1-based): chr3:45,947,033, C>T. VCF-style: chr3-45947033-C-T. GRCh37 (hg19) VCF-style: chr3-45988525-C-T.
Other names: c.552C>T, p.Asp184= (NM_001386435.1, NM_001386436.1, NM_001386437.1); c.3344+8216G>A (NM_001386430.1); c.3824+8216G>A (NM_001386426.1); c.3800+8216G>A (NM_001386427.1); c.3941+8216G>A (NM_001386423.1); c.3944+8216G>A (NM_001386429.1, NM_001386425.1, NM_024513.4 and 4 more transcripts).
Identifiers: ClinVar variation 771134 (VCV000771134.13), dbSNP rs61751654, ClinGen allele CA2352550.